The following is an entry in ClinVar:

ClinVar aggregate classification (germline): Uncertain significance (1 of 4 stars; one submission).

Conditions:
Inborn genetic diseases. Identifiers: MedGen C0950123, MeSH D030342.

Allele frequency attached by ClinVar (database versions not stated): gnomAD exomes 0.00001.
gnomAD v4.1: 5 of 1,613,900 alleles (0.00031%); highest among the groups gnomAD compares: Non-Finnish European, 0.00034%; no homozygotes.

Submission:

Ambry Genetics
Classification: Uncertain significance for Inborn genetic diseases. Last evaluated: 2024-04-19. Review status: criteria provided, single submitter. Criteria: Ambry Variant Classification Scheme 2023. Collection method: clinical testing. Allele origin: germline.
Comment: The p.V1980I variant (also known as c.5938G>A), located in coding exon 35 of the ATR gene, results from a G to A substitution at nucleotide position 5938. The valine at codon 1980 is replaced by isoleucine, an amino acid with highly similar properties. This amino acid position is conserved. In addition, this alteration is predicted to be tolerated by in silico analysis. Since supporting evidence is limited at this time, the clinical significance of this alteration remains unclear.

NM_001184.4(ATR):c.5938G>A (p.Val1980Ile)

Gene: ATR (ATR checkpoint kinase; minus strand). Cytogenetic location: 3q23.
Variant type: single nucleotide variant.
Coding change: c.5938G>A on transcript NM_001184.4 (MANE Select); coding-DNA position 5938, G replaced by A.
Protein change: p.Val1980Ile; replaces valine 1980 with isoleucine.
Molecular consequence: missense variant.
Genome position (GRCh38, 1-based): chr3:142,493,272, C>T on the plus strand (G>A on the coding strand, the complement: ATR is on the minus strand). VCF-style: chr3-142493272-C-T. GRCh37 (hg19) VCF-style: chr3-142212114-C-T.
Other names: c.5746G>A, p.Val1916Ile (NM_001354579.2); short protein forms V1980I, V1916I.
Identifiers: ClinVar variation 1750602 (VCV001750602.3), dbSNP rs2473143330, ClinGen allele CA354811779.